The following is an entry in ClinVar:

ClinVar aggregate classification (germline): Uncertain significance (1 of 4 stars; one submission).

Conditions:
SEMA3B-related disorder. Also called: SEMA3B-related condition.

gnomAD v4.1: 69 of 1,583,720 alleles (0.0044%); highest among the groups gnomAD compares: Non-Finnish European, 0.0052%; no homozygotes.

Submissions (8):

PreventionGenetics, part of Exact Sciences
Classification: Uncertain significance for SEMA3B-related condition. Last evaluated: 2025-03-30. Review status: criteria provided, single submitter. Criteria: ACMG Guidelines, 2015. Collection method: clinical testing. Allele origin: germline.
Comment: The SEMA3B c.1506+1G>A variant is predicted to disrupt the GT donor site and interfere with normal splicing. To our knowledge, this variant has not been reported in the literature. This variant is reported in 0.0020% of alleles in individuals of European (Non-Finnish) descent in gnomAD. At this time, the clinical significance of this variant is uncertain due to the absence of conclusive functional and genetic evidence.

Dr. Peter K. Rogan Lab, Western University
No classification provided (evidence only). Condition: Sarcoma. Review status: no classification provided. Collection method: in vitro. Allele origin: not applicable. Functional consequence: skipped exon, retained intron. Not counted in ClinVar's aggregate classification.

Dr. Peter K. Rogan Lab, Western University
No classification provided (evidence only). Condition: Ovarian serous cystadenocarcinoma. Review status: no classification provided. Collection method: in vitro. Allele origin: not applicable. Functional consequence: retained intron. Not counted in ClinVar's aggregate classification.

Dr. Peter K. Rogan Lab, Western University
No classification provided (evidence only). Condition: Ovarian serous cystadenocarcinoma. Review status: no classification provided. Collection method: in vitro. Allele origin: not applicable. Functional consequence: retained intron. Not counted in ClinVar's aggregate classification.

Dr. Peter K. Rogan Lab, Western University
No classification provided (evidence only). Condition: Ovarian serous cystadenocarcinoma. Review status: no classification provided. Collection method: in vitro. Allele origin: not applicable. Functional consequence: retained intron. Not counted in ClinVar's aggregate classification.

Dr. Peter K. Rogan Lab, Western University
No classification provided (evidence only). Condition: Ovarian serous cystadenocarcinoma. Review status: no classification provided. Collection method: in vitro. Allele origin: not applicable. Functional consequence: retained intron. Not counted in ClinVar's aggregate classification.

Dr. Peter K. Rogan Lab, Western University
No classification provided (evidence only). Condition: Ovarian serous cystadenocarcinoma. Review status: no classification provided. Collection method: in vitro. Allele origin: not applicable. Functional consequence: retained intron. Not counted in ClinVar's aggregate classification.

Dr. Peter K. Rogan Lab, Western University
No classification provided (evidence only). Condition: Ovarian serous cystadenocarcinoma. Review status: no classification provided. Collection method: in vitro. Allele origin: not applicable. Functional consequence: retained intron. Not counted in ClinVar's aggregate classification.

NM_001290060.2(SEMA3B):c.1491+1G>A

Gene: SEMA3B (semaphorin 3B; plus strand). Cytogenetic location: 3p21.31.
Variant type: single nucleotide variant.
Coding change: c.1491+1G>A on transcript NM_001290060.2 (MANE Select); the canonical splice donor site of the intron after coding-DNA position 1491, G replaced by A.
Molecular consequence: splice donor variant.
Genome position (GRCh38, 1-based): chr3:50,275,054, G>A. VCF-style: chr3-50275054-G-A. GRCh37 (hg19) VCF-style: chr3-50312485-G-A.
Other names: NC_000003.11:g.50312485G>A; c.1488+1G>A (NM_001435958.1, NM_001435957.1, NM_001005914.3); c.1491+1G>A (NM_001435956.1, NM_004636.4); c.1506+1G>A (NM_001290061.1); c.462+1G>A (NM_001290062.2, NM_001290063.2).
Identifiers: ClinVar variation 4298148 (VCV004298148.2).